The following is an entry in ClinVar:

ClinVar aggregate classification (germline): Uncertain significance (1 of 4 stars; one submission).

Conditions:
GTP cyclohydrolase I deficiency. Identifiers: MedGen C0268467, MONDO:0100184.
Dystonia 5 (DRD). Also called: DYT-GCH1; DYSTONIA, PROGRESSIVE, WITH DIURNAL VARIATION; DYSTONIA-PARKINSONISM WITH DIURNAL FLUCTUATION; Dystonia, DOPA-responsive, with or without hyperphenylalaninemia; GTP Cyclohydrolase 1-Deficient Dopa-Responsive Dystonia. Identifiers: Orphanet 98808, MedGen C1851920, MONDO:0007495, OMIM 128230.

Submission:

Labcorp Genetics (formerly Invitae), Labcorp
Classification: Uncertain significance for GTP cyclohydrolase I deficiency; Dystonia 5. Last evaluated: 2025-08-10. Review status: criteria provided, single submitter. Criteria: Invitae Variant Classification Sherloc (09022015). Collection method: clinical testing. Allele origin: germline.
Comment: This sequence change replaces methionine, which is neutral and non-polar, with isoleucine, which is neutral and non-polar, at codon 230 of the GCH1 protein (p.Met230Ile). This variant is not present in population databases (gnomAD no frequency). This missense change has been observed in individual(s) with clinical features of GCH1-related conditions (PMID: 14509676, 24993959). Invitae Evidence Modeling of protein sequence and biophysical properties (such as structural, functional, and spatial information, amino acid conservation, physicochemical variation, residue mobility, and thermodynamic stability) indicates that this missense variant is expected to disrupt GCH1 protein function with a positive predictive value of 80%. In summary, the available evidence is currently insufficient to determine the role of this variant in disease. Therefore, it has been classified as a Variant of Uncertain Significance.

Literature cited by the submitters: PubMed 14509676; PubMed 24993959.

NM_000161.3(GCH1):c.690G>A (p.Met230Ile)

Gene: GCH1 (GTP cyclohydrolase 1; minus strand). Cytogenetic location: 14q22.2.
Variant type: single nucleotide variant.
Coding change: c.690G>A on transcript NM_000161.3 (MANE Select); coding-DNA position 690, G replaced by A.
Protein change: p.Met230Ile; replaces methionine 230 with isoleucine.
Molecular consequence: missense variant. On other transcripts: intron variant (3).
Genome position (GRCh38, 1-based): chr14:54,844,080, C>T on the plus strand (G>A on the coding strand, the complement: GCH1 is on the minus strand). VCF-style: chr14-54844080-C-T. GRCh37 (hg19) VCF-style: chr14-55310798-C-T.
Other names: c.690G>A, p.Met230Ile (NM_001024024.2); c.396G>A, p.Met132Ile (NM_001424105.1); c.510-1026G>A (NM_001424104.1); c.627-1026G>A (NM_001024071.2); c.627-211G>A (NM_001024070.2); short protein forms M132I, M230I.
Identifiers: ClinVar variation 4783773 (VCV004783773.1).